The following is an entry in ClinVar:

ClinVar aggregate classification (germline): Uncertain significance (1 of 4 stars; one submission).

Submission:

Women's Health and Genetics/Laboratory Corporation of America, LabCorp
Classification: Uncertain significance. Last evaluated: 2024-11-05. Review status: criteria provided, single submitter. Criteria: LabCorp Variant Classification Summary - May 2015. Collection method: clinical testing. Allele origin: germline.
Comment: Variant summary: AGXT c.872A>G (p.His291Arg) results in a non-conservative amino acid change located in the PLP-dependent transferases domain (IPR015424) of the encoded protein sequence. Five of five in-silico tools predict a damaging effect of the variant on protein function. The variant was absent in 153222 control chromosomes (gnomAD). The available data on variant occurrences in the general population are insufficient to allow any conclusion about variant significance. c.872A>G has been reported in the literature in at least one individual affected with Primary Hyperoxaluria Type 1 (Chen_2021). These data do not allow any conclusion about variant significance. To our knowledge, no experimental evidence demonstrating an impact on protein function has been reported. The following publication have been ascertained in the context of this evaluation (PMID: 34031707). No submitters have cited clinical-significance assessments for this variant to ClinVar. Based on the evidence outlined above, the variant was classified as uncertain significance.

Literature cited by the submitters: PubMed 34031707.

NM_000030.3(AGXT):c.872A>G (p.His291Arg)

Gene: AGXT (alanine--glyoxylate aminotransferase; plus strand). Cytogenetic location: 2q37.3.
Variant type: single nucleotide variant.
Coding change: c.872A>G on transcript NM_000030.3 (MANE Select); coding-DNA position 872, A replaced by G.
Protein change: p.His291Arg; replaces histidine 291 with arginine.
Molecular consequence: missense variant.
Genome position (GRCh38, 1-based): chr2:240,877,562, A>G. VCF-style: chr2-240877562-A-G. GRCh37 (hg19) VCF-style: chr2-241816979-A-G.
Other names: short protein forms H291R.
Identifiers: ClinVar variation 3629824 (VCV003629824.1).
Genomic context (GRCh38, chr2:240,877,562, plus strand): 5'-CATGTCACTGCCCACCAGCGCCATCTCCCACACAGGGCCTGGAGAACAGCTGGCGCCAGC[A>G]CCGCGAGGCCGCGGCGTATCTGCATGGGCGCCTGCAGGCACTGGGGCTGCAGCTCTTCGT-3'
Protein context (NP_000021.1, residues 281-301): EQGLENSWRQ[His291Arg]REAAAYLHGR